The following is an entry in ClinVar:

ClinVar aggregate classification (germline): Uncertain significance (1 of 4 stars; one submission).

Submission:

Labcorp Genetics (formerly Invitae), Labcorp
Classification: Uncertain significance. Last evaluated: 2021-06-24. Review status: criteria provided, single submitter. Criteria: Invitae Variant Classification Sherloc (09022015). Collection method: clinical testing. Allele origin: germline.
Comment: In summary, the available evidence is currently insufficient to determine the role of this variant in disease. Therefore, it has been classified as a Variant of Uncertain Significance. This variant results in a copy number gain of the genomic region encompassing exon(s) 10-15 of the ERCC3 gene. The 5' boundary is likely confined to intron 9. The 3' end of this event is unknown as it extends beyond the assayed region for this gene and therefore may encompass additional genes. As the precise location of this event is unknown, it may be in tandem or it may be located elsewhere in the genome. This variant has not been reported in the literature in individuals with ERCC3-related conditions.

NC_000002.11:g.(?_127860149)_(128036971_?)dup

Genes: BIN1 (bridging integrator 1; minus strand), CYP27C1 (cytochrome P450 family 27 subfamily C member 1; minus strand), ERCC3 (ERCC excision repair 3, TFIIH core complex helicase subunit; minus strand). Cytogenetic location: 2q14.3.
Variant type: Duplication.
Identifiers: ClinVar variation 1372140 (VCV001372140.4).